The following is an entry in ClinVar:

ClinVar aggregate classification (germline): Conflicting classifications of pathogenicity. Review status: criteria provided, conflicting classifications (1 of 4 stars). 4 submissions from 4 submitters: Uncertain significance (3); Likely benign (1). Last evaluated 2025-09-09.

Conditions:
Hereditary cancer-predisposing syndrome. Also called: Hereditary neoplastic syndrome; Neoplastic Syndromes, Hereditary; Tumor predisposition; Hereditary Cancer Syndrome. Identifiers: Orphanet 140162, MedGen C0027672, MeSH D009386, MONDO:0015356.
Familial cancer of breast. Also called: BREAST CANCER, FAMILIAL; Hereditary breast cancer; hereditary breast carcinoma. Identifiers: Orphanet 227535, MedGen C0346153, MONDO:0016419, OMIM 114480. Disease mechanism: loss of function.

Allele frequency attached by ClinVar (database versions not stated): gnomAD exomes below 0.00001; gnomAD 0.00001; TOPMed 0.00001; ESP Exome Variant Server 0.00008.
gnomAD v4.1: 3 of 1,612,746 alleles (0.00019%); highest among the groups gnomAD compares: African/African-American, 0.0013%; no homozygotes.

Submissions (4):

Ambry Genetics
Classification: Likely benign for Hereditary cancer-predisposing syndrome. Last evaluated: 2025-09-09. Review status: criteria provided, single submitter. Criteria: Ambry Variant Classification Scheme 2023. Collection method: clinical testing. Allele origin: germline.

Labcorp Genetics (formerly Invitae), Labcorp
Classification: Uncertain significance for Familial cancer of breast. Last evaluated: 2025-06-24. Review status: criteria provided, single submitter. Criteria: Invitae Variant Classification Sherloc (09022015). Collection method: clinical testing. Allele origin: germline.
Comment: This sequence change replaces aspartic acid, which is acidic and polar, with asparagine, which is neutral and polar, at codon 102 of the BARD1 protein (p.Asp102Asn). This variant is not present in population databases (gnomAD no frequency). This variant has not been reported in the literature in individuals affected with BARD1-related conditions. ClinVar contains an entry for this variant (Variation ID: 246347). An algorithm developed to predict the effect of missense changes on protein structure and function (PolyPhen-2) suggests that this variant is likely to be tolerated. In summary, the available evidence is currently insufficient to determine the role of this variant in disease. Therefore, it has been classified as a Variant of Uncertain Significance.

Women's Health and Genetics/Laboratory Corporation of America, LabCorp
Classification: Uncertain significance. Last evaluated: 2016-10-21. Review status: criteria provided, single submitter. Criteria: LabCorp Variant Classification Summary - May 2015. Collection method: clinical testing. Allele origin: germline.
Comment: Variant summary: The BARD1 c.304G>A (p.Asp102Asn) variant located in the Zinc finger, RING-type domain (per InterPro) causes a missense change involving a conserved nucleotide with 3/4 in silico tools (SNPs&GO not captured due to low reliability index) predict a damaging outcome, although these predictions have yet to be functionally assessed. The variant of interest was observed in controls with an allele frequency of 1/120906, which does not exceed the estimated maximal expected allele frequency for a pathogenic BARD1 variant of 1/4570. The variant of interest, to our knowledge, has not been reported in affected individuals via publications, although a clinical diagnostic laboratory has cited the variant as "uncertain significance." Therefore, until additional information becomes available (ie, clinical and functional studies), the variant of interest has been classified as a "Variant of Uncertain Significance (VUS)."

GeneDx
Classification: Uncertain significance. Last evaluated: 2016-01-21. Review status: criteria provided, single submitter. Criteria: GeneDx Variant Classification (06012015). Collection method: clinical testing. Allele origin: germline. Affected: yes.
Comment: This variant is denoted BARD1 c.304G>A at the cDNA level, p.Asp102Asn (D102N) at the protein level, and results in the change of an Aspartic Acid to an Asparagine (GAC>AAC). This variant has not, to our knowledge, been published in the literature as pathogenic or benign. BARD1 Asp102Asn was not observed at a significant allele frequency in the NHLBI Exome Sequencing Project. Since Aspartic Acid and Asparagine differ in some properties, this is considered a semi-conservative amino acid substitution. BARD1 Asp102Asn occurs at a position that is not conserved and is located within the region of interaction with BRCA1 (UniProt). In silico analyses predict that this variant is probably damaging to protein structure and function. Based on currently available evidence, it is unclear whether BARD1 Asp102Asn is a pathogenic or benign variant. We consider it to be a variant of uncertain significance.

Literature cited by the submitters: PubMed 23056176 (cited by Women's Health and Genetics/Laboratory Corporation of America, LabCorp).

NM_000465.4(BARD1):c.304G>A (p.Asp102Asn)

Gene: BARD1 (BRCA1 associated RING domain 1; minus strand). Cytogenetic location: 2q35.
Variant type: single nucleotide variant.
Coding change: c.304G>A on transcript NM_000465.4 (MANE Select); coding-DNA position 304, G replaced by A.
Protein change: p.Asp102Asn; replaces aspartic acid 102 with asparagine.
Molecular consequence: missense variant. On other transcripts: non-coding transcript variant (1), intron variant (2).
Genome position (GRCh38, 1-based): chr2:214,792,357, C>T on the plus strand (G>A on the coding strand, the complement: BARD1 is on the minus strand). VCF-style: chr2-214792357-C-T. GRCh37 (hg19) VCF-style: chr2-215657081-C-T.
Other names: c.247G>A, p.Asp83Asn (NM_001282543.2); c.304G>A, p.Asp102Asn (NM_001282549.2); c.158+17055G>A (NM_001282548.2); c.215+4704G>A (NM_001282545.2); short protein forms D102N, D83N.
Identifiers: ClinVar variation 246347 (VCV000246347.18), dbSNP rs140254589, ClinGen allele CA10584182.